The following is an entry in ClinVar:

NM_015937.6(PIGT):c.709G>C (p.Glu237Gln)

Gene: PIGT (phosphatidylinositol glycan anchor biosynthesis class T; plus strand). Cytogenetic location: 20q13.12.
Variant type: single nucleotide variant.
Coding change: c.709G>C on transcript NM_015937.6 (MANE Select); coding-DNA position 709, G replaced by C.
Protein change: p.Glu237Gln; replaces glutamic acid 237 with glutamine.
Molecular consequence: missense variant. On other transcripts: non-coding transcript variant (5).
Genome position (GRCh38, 1-based): chr20:45,420,163, G>C. VCF-style: chr20-45420163-G-C. GRCh37 (hg19) VCF-style: chr20-44048803-G-C.
Other names: c.541G>C, p.Glu181Gln (NM_001184728.3); c.709G>C, p.Glu237Gln (NM_001184729.3); c.403G>C, p.Glu135Gln (NM_001184730.3); c.709G>C (NM_015937.5); short protein forms E135Q, E181Q, E237Q.
Identifiers: ClinVar variation 2585406 (VCV002585406.23), dbSNP rs768580788, ClinGen allele CA9878023.

ClinVar aggregate classification (germline): Likely pathogenic. Review status: criteria provided, multiple submitters, no conflicts (2 of 4 stars). 5 submissions from 5 submitters: Likely pathogenic (5). Last evaluated 2025-03-06.

Conditions:
Multiple congenital anomalies-hypotonia-seizures syndrome 3 (MCAHS3). Also called: GLYCOSYLPHOSPHATIDYLINOSITOL BIOSYNTHESIS DEFECT 7. Identifiers: Orphanet 369837, MedGen C3809356, MONDO:0014165, OMIM 615398.

Allele frequency attached by ClinVar (database versions not stated): gnomAD 0.00001; gnomAD exomes 0.00002; ExAC 0.00008.
gnomAD v4.1: 28 of 1,612,610 alleles (0.0017%); highest among the groups gnomAD compares: South Asian, 0.03%; no homozygotes.

Submissions (5):

Variantyx, Inc.
Classification: Likely pathogenic for Multiple congenital anomalies-hypotonia-seizures syndrome 3. Last evaluated: 2025-03-06. Review status: criteria provided, single submitter. Criteria: Variantyx Assertion Criteria 2022. Collection method: clinical testing. Allele origin: germline. Affected: yes.
Comment: This is a nonsynonymous variant in the PIGT gene (OMIM: 610272). Pathogenic variants in this gene have been associated with autosomal recessive multiple congenital anomalies hypotonia seizures syndrome 3. This variant has been identified in the homozygous or compound heterozygous state in one or more of the following: the current proband, at least two individual(s) from the published literature (PMID: 30976099, 28327575), or previous internal cases (PM3_Strong). Functional studies have shown that this variant alters PIGT protein function (PMID: 28327575) (PS3_Supporting). This variant has a 0.0298% maximum allele frequency in non-founder control populations (PM2_Supporting). Computational algorithms produce conflicting evidence regarding the predicted functional impact of this variant (REVEL score: 0.344). Based on the current evidence, this variant is classified as likely pathogenic for autosomal recessive multiple congenital anomalies hypotonia seizures syndrome 3.

Institute of Medical Genetics and Genomics, Sir Ganga Ram Hospital
Classification: Likely pathogenic for Multiple congenital anomalies-hypotonia-seizures syndrome 3. Last evaluated: 2024-12-13. Review status: criteria provided, single submitter. Criteria: ACMG Guidelines, 2015. Collection method: clinical testing. Allele origin: germline. Inheritance: Autosomal recessive inheritance. Affected: yes. Observed: 1 heterozygote.
Comment: The amino acid change is predicted as conserved by GERP++ and PhyloP across 100 vertebrates. It is identified in trans with another likely pathogenic variant[c.1520_1521insCTCTACA] fulfilling [PM3] . Based on the available evidences, this variant is classified as “Likely Pathogenic”.

Genomic Medicine Center of Excellence, King Faisal Specialist Hospital and Research Centre
Classification: Likely pathogenic for Multiple congenital anomalies-hypotonia-seizures syndrome 3. Last evaluated: 2024-10-07. Review status: criteria provided, single submitter. Criteria: ACMG Guidelines, 2015. Collection method: clinical testing. Allele origin: germline.

CeGaT Center for Human Genetics Tuebingen
Classification: Likely pathogenic. Last evaluated: 2024-05-01. Review status: criteria provided, single submitter. Criteria: CeGaT Center For Human Genetics Tuebingen Variant Classification Criteria Version 2. Collection method: clinical testing. Allele origin: germline. Affected: yes. Observed: 2 variant alleles.
Comment: PIGT: PM2, PM3, PP4, PS3:Supporting

Neuberg Centre For Genomic Medicine, NCGM
Classification: Likely pathogenic for Multiple congenital anomalies-hypotonia-seizures syndrome 3. Review status: criteria provided, single submitter. Criteria: ACMG Guidelines, 2015. Collection method: clinical testing. Allele origin: germline. Inheritance: Autosomal recessive inheritance. Affected: yes.
Comment: Functional studies revealed a damaging effect and the variant was associated with a severe phenotype (Pagnamenta et al. 2017, Bayat et al. 2021). The p.Glu237Gln variant is novel (not in any individuals) in 1000 Genomes. The amino acid Glu at position 237 is changed to a Gln changing protein sequence and it might alter its composition and physico-chemical properties. The variant is predicted to be damaging by both SIFT and PolyPhen2. The residue is conserved across species. The amino acid change p.Glu237Gln in PIGT is predicted as conserved by GERP++ and PhyloP across 100 vertebrates. For these reasons, this variant has been classified as Pathogenic.